The following is an entry in ClinVar:

ClinVar aggregate classification (germline): Benign/Likely benign. Review status: criteria provided, multiple submitters, no conflicts (2 of 4 stars). 5 submissions from 5 submitters: Benign (2); Likely benign (3). Last evaluated 2026-01-19.

Conditions:
Idiopathic generalized epilepsy. Also called: EIG; Generalised epilepsy. Identifiers: MedGen C0270850, MONDO:0005579, OMIM 600669.
Hyperaldosteronism, familial, type IV (HALD4). Also called: FH IV; ALDOSTERONISM, PRIMARY, AND HYPERTENSION. Identifiers: Orphanet 642671, MedGen C4310756, MONDO:0014875, OMIM 617027.

Allele frequency attached by ClinVar (database versions not stated): 1000 Genomes Project 30x 0.00062; 1000 Genomes Project 0.00080; gnomAD exomes 0.00120 and 0.00172; ExAC 0.00140; ESP Exome Variant Server 0.00159; gnomAD 0.00186; TOPMed 0.00204.
gnomAD v4.1: 2,803 of 1,603,900 alleles (0.17%); highest among the groups gnomAD compares: African/African-American, 0.25%; 9 homozygotes.

Submissions (5):

Labcorp Genetics (formerly Invitae), Labcorp
Classification: Benign for Idiopathic generalized epilepsy; Hyperaldosteronism, familial, type IV. Last evaluated: 2026-01-19. Review status: criteria provided, single submitter. Criteria: Invitae Variant Classification Sherloc (09022015). Collection method: clinical testing. Allele origin: germline.

Center for Genomic Medicine, Rigshospitalet, Copenhagen University Hospital
Classification: Likely benign. Last evaluated: 2025-03-04. Review status: criteria provided, single submitter. Criteria: ACMG Guidelines, 2015. Collection method: clinical testing. Allele origin: germline.

CeGaT Center for Human Genetics Tuebingen
Classification: Likely benign. Last evaluated: 2025-02-01. Review status: criteria provided, single submitter. Criteria: CeGaT Center For Human Genetics Tuebingen Variant Classification Criteria Version 2. Collection method: clinical testing. Allele origin: germline. Affected: yes. Observed: 2 variant alleles.
Comment: CACNA1H: BP4, BP7

Blueprint Genetics
Classification: Likely benign. Last evaluated: 2024-11-07. Review status: criteria provided, single submitter. Criteria: ACMG Guidelines, 2015. Collection method: clinical testing. Allele origin: germline.

Athena Diagnostics
Classification: Benign. Last evaluated: 2019-03-26. Review status: criteria provided, single submitter. Criteria: Athena Diagnostics Criteria. Collection method: clinical testing. Allele origin: germline.

NM_021098.3(CACNA1H):c.6717C>T (p.Gly2239=)

Gene: CACNA1H (calcium voltage-gated channel subunit alpha1 H; plus strand). Cytogenetic location: 16p13.3.
Variant type: single nucleotide variant.
Coding change: c.6717C>T on transcript NM_021098.3 (MANE Select); coding-DNA position 6717, C replaced by T.
Protein change: p.Gly2239=; no amino-acid change (glycine 2239 retained).
Molecular consequence: synonymous variant.
Genome position (GRCh38, 1-based): chr16:1,220,649, C>T. VCF-style: chr16-1220649-C-T. GRCh37 (hg19) VCF-style: chr16-1270649-C-T.
Other names: c.6699C>T, p.Gly2233= (NM_001005407.2).
Identifiers: ClinVar variation 460175 (VCV000460175.39), dbSNP rs143733790, ClinGen allele CA7802468.